The following is an entry in ClinVar:

NM_001267550.2(TTN):c.103271G>C (p.Arg34424Thr)

Genes: TTN (titin; minus strand), TTN-AS1 (TTN antisense RNA 1; plus strand). Cytogenetic location: 2q31.2.
Variant type: single nucleotide variant.
Coding change: c.103271G>C on transcript NM_001267550.2 (MANE Select); coding-DNA position 103271, G replaced by C.
Protein change: p.Arg34424Thr; replaces arginine 34424 with threonine.
Molecular consequence: missense variant.
Genome position (GRCh38, 1-based): chr2:178,533,344, C>G on the plus strand (G>C on the coding strand, the complement: TTN is on the minus strand). VCF-style: chr2-178533344-C-G. GRCh37 (hg19) VCF-style: chr2-179398071-C-G.
Other names: c.98348G>C, p.Arg32783Thr (NM_001256850.1); c.76076G>C, p.Arg25359Thr (NM_003319.4); c.95567G>C, p.Arg31856Thr (NM_133378.4); c.76451G>C, p.Arg25484Thr (NM_133432.3); c.76652G>C, p.Arg25551Thr (NM_133437.4); short protein forms R25484T, R25359T, R25551T, R32783T, R31856T, R34424T.
Identifiers: ClinVar variation 1759773 (VCV001759773.2), dbSNP rs972117588, ClinGen allele CA60957345.

ClinVar aggregate classification (germline): Uncertain significance (1 of 4 stars; one submission).

Conditions:
Cardiovascular phenotype. Identifiers: MedGen CN230736.

Allele frequency attached by ClinVar (database versions not stated): gnomAD exomes below 0.00001.
gnomAD v4.1: 3 of 1,613,680 alleles (0.00019%); highest among the groups gnomAD compares: Non-Finnish European, 0.000085%; no homozygotes.

Submission:

Ambry Genetics
Classification: Uncertain significance for Cardiovascular phenotype. Last evaluated: 2020-05-11. Review status: criteria provided, single submitter. Criteria: Ambry Variant Classification Scheme 2023. Collection method: clinical testing. Allele origin: germline.
Comment: The p.R25359T variant (also known as c.76076G>C), located in coding exon 185 of the TTN gene, results from a G to C substitution at nucleotide position 76076. The arginine at codon 25359 is replaced by threonine, an amino acid with similar properties. This amino acid position is highly conserved in available vertebrate species. In addition, this alteration is predicted to be tolerated by in silico analysis. Since supporting evidence is limited at this time, the clinical significance of this alteration remains unclear.